The following is an entry in ClinVar:

ClinVar aggregate classification (germline): Uncertain significance (1 of 4 stars; one submission).

Conditions:
Cardiovascular phenotype. Identifiers: MedGen CN230736.

gnomAD v4.1: 9 of 1,612,762 alleles (0.00056%); highest among the groups gnomAD compares: Non-Finnish European, 0.00076%; no homozygotes.

Submission:

Ambry Genetics
Classification: Uncertain significance for Cardiovascular phenotype. Last evaluated: 2025-05-03. Review status: criteria provided, single submitter. Criteria: Ambry Variant Classification Scheme 2023. Collection method: clinical testing. Allele origin: germline.
Comment: The p.S97P variant (also known as c.289T>C), located in coding exon 3 of the FKTN gene, results from a T to C substitution at nucleotide position 289. The serine at codon 97 is replaced by proline, an amino acid with similar properties. This amino acid position is conserved. In addition, this alteration is predicted to be tolerated by in silico analysis. Based on the available evidence, the clinical significance of this variant remains unclear.

NM_001079802.2(FKTN):c.289T>C (p.Ser97Pro)

Gene: FKTN (fukutin; plus strand). Cytogenetic location: 9q31.2.
Variant type: single nucleotide variant.
Coding change: c.289T>C on transcript NM_001079802.2 (MANE Select); coding-DNA position 289, T replaced by C.
Protein change: p.Ser97Pro; replaces serine 97 with proline.
Molecular consequence: missense variant. On other transcripts: 5 prime UTR variant (4), non-coding transcript variant (2).
Genome position (GRCh38, 1-based): chr9:105,601,268, T>C. VCF-style: chr9-105601268-T-C. GRCh37 (hg19) VCF-style: chr9-108363549-T-C.
Other names: c.289T>C, p.Ser97Pro (NM_001198963.2, NM_001351496.2, NM_001351498.2 and 1 more transcripts); c.220T>C, p.Ser74Pro (NM_001351497.2); c.-226T>C (NM_001351499.2, NM_001351500.2, NM_001351501.2 and 1 more transcripts); short protein forms S97P, S74P.
Identifiers: ClinVar variation 4025266 (VCV004025266.1).
Genomic context (GRCh38, chr9:105,601,268, plus strand): 5'-CCTTTGATACTGGAATTGATTAATAAGAACTTTGAACAAGTCAAAAATACTTCTCATGGC[T>C]CTACTTCACAATGCAAGTTTTTCTGTGTTCCAAGAGACTTTACTGCATTTGCACTGCAGT-3'
Protein context (NP_001073270.1, residues 87-107): FEQVKNTSHG[Ser97Pro]TSQCKFFCVP